The following is an entry in ClinVar:

NM_001303256.3(MORC2):c.2968A>C (p.Thr990Pro)

Gene: MORC2 (MORC family CW-type zinc finger 2; minus strand). Cytogenetic location: 22q12.2.
Variant type: single nucleotide variant.
Coding change: c.2968A>C on transcript NM_001303256.3 (MANE Select); coding-DNA position 2968, A replaced by C.
Protein change: p.Thr990Pro; replaces threonine 990 with proline.
Molecular consequence: missense variant.
Genome position (GRCh38, 1-based): chr22:30,928,081, T>G on the plus strand (A>C on the coding strand, the complement: MORC2 is on the minus strand). VCF-style: chr22-30928081-T-G. GRCh37 (hg19) VCF-style: chr22-31324068-T-G.
Other names: c.2968A>C, p.Thr990Pro (NM_001303257.2); c.2782A>C, p.Thr928Pro (NM_014941.3); short protein forms T928P, T990P.
Identifiers: ClinVar variation 2920252 (VCV002920252.3), dbSNP rs2517556694, ClinGen allele CA411229750.

ClinVar aggregate classification (germline): Uncertain significance (1 of 4 stars; one submission).

Conditions:
Charcot-Marie-Tooth disease axonal type 2Z. Also called: CHARCOT-MARIE-TOOTH DISEASE, AXONAL, AUTOSOMAL DOMINANT, TYPE 2Z; CHARCOT-MARIE-TOOTH NEUROPATHY, TYPE 2Z. Identifiers: Orphanet 466768, MedGen C5569025, MONDO:0014736, OMIM 616688.

Submission:

Labcorp Genetics (formerly Invitae), Labcorp
Classification: Uncertain significance for Charcot-Marie-Tooth disease axonal type 2Z. Last evaluated: 2023-08-25. Review status: criteria provided, single submitter. Criteria: Invitae Variant Classification Sherloc (09022015). Collection method: clinical testing. Allele origin: germline.
Comment: In summary, the available evidence is currently insufficient to determine the role of this variant in disease. Therefore, it has been classified as a Variant of Uncertain Significance. Advanced modeling of protein sequence and biophysical properties (such as structural, functional, and spatial information, amino acid conservation, physicochemical variation, residue mobility, and thermodynamic stability) performed at Invitae indicates that this missense variant is not expected to disrupt MORC2 protein function. This variant has not been reported in the literature in individuals affected with MORC2-related conditions. This variant is not present in population databases (gnomAD no frequency). This sequence change replaces threonine, which is neutral and polar, with proline, which is neutral and non-polar, at codon 990 of the MORC2 protein (p.Thr990Pro).